The following is an entry in ClinVar:

NM_003119.4(SPG7):c.2228T>C (p.Ile743Thr)

Gene: SPG7 (SPG7 matrix AAA peptidase subunit, paraplegin; plus strand). Cytogenetic location: 16q24.3.
Variant type: single nucleotide variant.
Coding change: c.2228T>C on transcript NM_003119.4 (MANE Select); coding-DNA position 2228, T replaced by C.
Protein change: p.Ile743Thr; replaces isoleucine 743 with threonine.
Molecular consequence: missense variant. On other transcripts: 3 prime UTR variant (1).
Genome position (GRCh38, 1-based): chr16:89,556,933, T>C. VCF-style: chr16-89556933-T-C. GRCh37 (hg19) VCF-style: chr16-89623341-T-C.
Other names: p.I743T:ATT>ACT; c.*6T>C (NM_001363850.1); short protein forms I743T.
Identifiers: ClinVar variation 215218 (VCV000215218.83), dbSNP rs752623413, ClinGen allele CA323349.

ClinVar aggregate classification (germline): Pathogenic/Likely pathogenic. Review status: criteria provided, multiple submitters, no conflicts (2 of 4 stars). 23 submissions from 23 submitters: Pathogenic (19); Likely pathogenic (3). 1 of the submissions does not count toward it. Last evaluated 2025-12-31.

Conditions:
Spastic ataxia. Identifiers: Orphanet 316226, MedGen C1849156, MONDO:0017845, HP:0002497.
Hereditary spastic paraplegia 7 (SPG7). Also called: SPG7-related neurologic disorder; Spastic paraplegia 7; Hereditary spastic paraplegia Paraplegin type; Autosomal recessive spastic paraplegia type 7; SPASTIC PARAPLEGIA 7, AUTOSOMAL RECESSIVE, WITH OR WITHOUT CEREBELLAR ATAXIA. Identifiers: Orphanet 99013, MedGen C1846564, MONDO:0011803, OMIM 607259.
SPG7-related disorder. Also called: SPG7-related condition.
Hereditary spastic paraplegia. Also called: Familial spastic paraparesis. Identifiers: Orphanet 685, MedGen C0037773, MONDO:0019064. Disease mechanism: loss of function.

Allele frequency attached by ClinVar (database versions not stated): TOPMed 0.00004; ExAC 0.00005; gnomAD 0.00005 and 0.00006; gnomAD exomes 0.00005 and 0.00006.
gnomAD v4.1: 102 of 1,613,982 alleles (0.0063%); highest among the groups gnomAD compares: Middle Eastern, 0.016%; no homozygotes.

Submissions 1 to 11 of 23:

Variantyx, Inc.
Classification: Likely pathogenic for Hereditary spastic paraplegia 7. Last evaluated: 2025-12-31. Review status: criteria provided, single submitter. Criteria: Variantyx Assertion Criteria 2022. Collection method: clinical testing. Allele origin: germline. Inheritance: Autosomal recessive inheritance. Affected: no.
Comment: This is a nonsynonymous variant in the SPG7 gene (OMIM: 602783). Pathogenic variants in this gene have been associated with autosomal recessive spastic paraplegia 7. This variant has been reported in the homozygous or compound heterozygous state in several unrelated affected individuals (PMID: 24727571, 27790088, 25681447, 29023604, 27123479) (PM3_Strong) and it has been observed to segregate with disease in 4 siblings in compound heterozygous state with another variant (NM_003119.4(SPG7):c.2084T>C (p.Leu695Pro); ClinVar variation ID 219448). Their unaffected parents and two unaffected siblings were heterozygous for one of the two variants, consistent with autosomal recessive inheritance. (PMID: 27123479) (PP1). Multiple computational algorithms predict a deleterious effect for this substitution (PP3). The maximum allele frequency in non-founder control populations of this variant is 0.0110% ((PM2). Based on the current evidence, this variant is classified as likely pathogenic for autosomal recessive spastic paraplegia 7.

Labcorp Genetics (formerly Invitae), Labcorp
Classification: Pathogenic for Hereditary spastic paraplegia 7. Last evaluated: 2025-12-22. Review status: criteria provided, single submitter. Criteria: Invitae Variant Classification Sherloc (09022015). Collection method: clinical testing. Allele origin: germline.
Comment: This sequence change replaces isoleucine, which is neutral and non-polar, with threonine, which is neutral and polar, at codon 743 of the SPG7 protein (p.Ile743Thr). This variant is present in population databases (rs752623413, gnomAD 0.01%). This missense change has been observed in individuals with autosomal recessive primary lateral sclerosis and hereditary spastic paraplegia and adult-onset upper motor neuron syndrome, ataxia, or progressive external ophthalmoplegia (PMID: 18799786, 22964162, 24727571, 25681447, 27123479). It has also been observed to segregate with disease in related individuals. ClinVar contains an entry for this variant (Variation ID: 215218). Invitae Evidence Modeling of protein sequence and biophysical properties (such as structural, functional, and spatial information, amino acid conservation, physicochemical variation, residue mobility, and thermodynamic stability) indicates that this missense variant is expected to disrupt SPG7 protein function with a positive predictive value of 80%. For these reasons, this variant has been classified as Pathogenic.

GeneDx
Classification: Pathogenic. Last evaluated: 2025-11-14. Review status: criteria provided, single submitter. Criteria: GeneDx Variant Classification Process June 2021. Collection method: clinical testing. Allele origin: germline. Affected: yes.
Comment: In silico analysis supports that this missense variant has a deleterious effect on protein structure/function; This variant is associated with the following publications: (PMID: 32816195, 34758253, 25681447, 22964162, 18799786, 29023604, 27790088, 29482223, 28362824, 30098094, 24727571, 33300680, 34445196, 35872528, 27123479, 22571692, 35869996, 34983064)

Athena Diagnostics
Classification: Pathogenic. Last evaluated: 2025-08-01. Review status: criteria provided, single submitter. Criteria: Athena Diagnostics Criteria. Collection method: clinical testing. Allele origin: unknown.
Comment: The frequency of this variant in the general population is consistent with pathogenicity. This variant has been identified in multiple unrelated individuals with clinical features associated with autosomal recessive spastic paraplegia, and segregates with disease in at least one family. In multiple individuals, this variant has been seen with a single recessive pathogenic variant in the same gene, suggesting this variant may also be pathogenic. Polyphen and MutationTaster predict this amino acid change may be damaging to the protein. The variant is located in a region that is considered important for protein function and/or structure.

Kariminejad - Najmabadi Pathology & Genetics Center
Classification: Pathogenic for Hereditary spastic paraplegia 7. Last evaluated: 2024-07-13. Review status: criteria provided, single submitter. Criteria: ACMG Guidelines, 2015. Collection method: clinical testing. Allele origin: germline. Inheritance: Autosomal recessive inheritance. Affected: yes.
Comment: PM2,PP3(Moderate),PP5(Strong),PM5,PP1,PS2,PS3(Supporting)

Fulgent Genetics
Classification: Pathogenic for Hereditary spastic paraplegia 7. Last evaluated: 2024-03-18. Review status: criteria provided, single submitter. Criteria: ACMG Guidelines, 2015. Collection method: clinical testing. Allele origin: germline.

Blueprint Genetics
Classification: Pathogenic for SPG7-related disorders. Last evaluated: 2023-11-15. Review status: criteria provided, single submitter. Criteria: ACMG Guidelines, 2015. Collection method: clinical testing. Allele origin: germline. Affected: yes. Observed: 5 variant alleles.

Neuberg Centre For Genomic Medicine, NCGM
Classification: Pathogenic for Hereditary spastic paraplegia 7. Last evaluated: 2023-07-22. Review status: criteria provided, single submitter. Criteria: ACMG Guidelines, 2015. Collection method: clinical testing. Allele origin: germline. Inheritance: Autosomal recessive inheritance. Affected: yes.
Comment: The observed missense variant c.2228T>Cp.Ile743Thr in SPG7 gene has been reported in homozygous/compound heterozygous state in multiple individuals affected with Ataxia/Hereditary Spastic Paraplegia 7 Bogdanova-Mihaylova et al., 2021, Mancini et al., 2019. The p.Ile743Thr variant is reported with 0.005% allele freqeuncy in gnomAD Exomes. It has been submitted to ClinVar as Likely Pathogenic/ Pathogenic multiple submissions. Multiple lines of computational evidence Polyphen-probably damaging, SIFT-damaging and Mutation Taster-disease causing predict a damaging effect on protein structure and function for this variant. The amino acid Ile at position 743 is changed to a Thr changing protein sequence and it might alter its composition and physico-chemical properties. The reference amino acid p.Ile743Thr in SPG7 is predicted as conserved by GERP++ and PhyloP across 100 vertebrates. However, experimental studies on the pathogenicity of the variant are not available. For these reasons, this variant has been classified as Pathogenic.

PreventionGenetics, part of Exact Sciences
Classification: Pathogenic for SPG7-related condition. Last evaluated: 2023-07-10. Review status: criteria provided, single submitter. Criteria: ACMG Guidelines, 2015. Collection method: clinical testing. Allele origin: germline.
Comment: The SPG7 c.2228T>C variant is predicted to result in the amino acid substitution p.Ile743Thr. This variant has been reported in the compound heterozygous state in multiple individuals with spastic paraplegia, upper motor disease, or ataxia (Brugman et al. 2008. PubMed ID: 18799786; Pfeffer et al. 2015. PubMed ID: 25681447; Coutelier et al. 2018. PubMed ID: 29482223). This variant is reported in 0.0096% of alleles in individuals of Ashkenazi Jewish descent in gnomAD. This variant has been classified as pathogenic or likely pathogenic by multiple independent submitters to the ClinVar database. Given the evidence, we interpret c.2228T>C (p.Ile743Thr) as pathogenic for autosomal recessive disease.

Women's Health and Genetics/Laboratory Corporation of America, LabCorp
Classification: Pathogenic for Hereditary spastic paraplegia 7. Last evaluated: 2022-09-22. Review status: criteria provided, single submitter. Criteria: LabCorp Variant Classification Summary - May 2015. Collection method: clinical testing. Allele origin: germline.
Comment: Variant summary: SPG7 c.2228T>C (p.Ile743Thr) results in a non-conservative amino acid change located in the Peptidase M41 domain (IPR000642) of the encoded protein sequence. Four of four in-silico tools predict a damaging effect of the variant on protein function. The variant allele was found at a frequency of 5.2e-05 in 251340 control chromosomes (gnomAD). c.2228T>C has been reported in the literature in multiple individuals affected with Ataxia/Hereditary Spastic Paraplegia 7 (e.g. van Gassen_2012, Coutelier_2018, Mancini_2019, Bogdanova-Mihaylova_2021). These data indicate that the variant is very likely to be associated with disease. To our knowledge, no experimental evidence demonstrating an impact on protein function has been reported. Seven ClinVar submitters (evaluation after 2014) cite the variant as pathogenic/likely pathogenic. Based on the evidence outlined above, the variant was classified as pathogenic.

PROSPAX: an integrated multimodal progression  chart in spastic ataxias, Center for Neurology; Hertie-Institute for Clinical Brain Research
Classification: Pathogenic for Hereditary spastic paraplegia 7. Last evaluated: 2022-01-01. Review status: criteria provided, single submitter. Criteria: ACMG Guidelines, 2015. Collection method: research. Allele origin: germline. Affected: yes. Observed: 7 variant alleles, 5 compound heterozygotes, 2 homozygotes.